The following is an entry in ClinVar:

NM_001270.4(CHD1):c.3011del (p.Asn1004fs)

Gene: CHD1 (chromodomain helicase DNA binding protein 1; minus strand). Cytogenetic location: 5q15.
Variant type: Deletion.
Coding change: c.3011del on transcript NM_001270.4 (MANE Select); coding-DNA position 3011, one base deleted (A; older notation c.3011delA).
Protein change: p.Asn1004fs; shifts the reading frame from asparagine 1004.
Molecular consequence: frameshift variant. On other transcripts: non-coding transcript variant (2).
Genome position (GRCh38, 1-based): chr5:98,881,125, T deleted on the plus strand (A on the coding strand, the reverse complement: CHD1 is on the minus strand); the first of 4 consecutive T bases (chr5:98,881,125-98,881,128); deleting any one gives the same sequence. VCF-style (leftmost placement, unchanged base first): chr5-98881124-AT-A. GRCh37 (hg19) VCF-style: chr5-98216828-AT-A.
Other names: c.3011del, p.Asn1004fs (NM_001364113.3, NM_001376194.2); short protein forms N1004fs.
Identifiers: ClinVar variation 4538596 (VCV004538596.1).

ClinVar aggregate classification (germline): Uncertain significance (1 of 4 stars; one submission).

Submission:

GeneDx
Classification: Uncertain significance. Last evaluated: 2025-06-20. Review status: criteria provided, single submitter. Criteria: GeneDx Variant Classification Process June 2021. Collection method: clinical testing. Allele origin: germline. Affected: yes.
Comment: Not observed at significant frequency in large population cohorts (gnomAD); Frameshift variant predicted to result in protein truncation or nonsense mediated decay in a gene or region of a gene for which loss of function is not a well-established mechanism of disease; Has not been previously published as pathogenic or benign to our knowledge